The following is an entry in ClinVar:

ClinVar aggregate classification (germline): Conflicting classifications of pathogenicity. Review status: criteria provided, conflicting classifications (1 of 4 stars). 5 submissions from 4 submitters: Uncertain significance (3); Benign (1); Likely benign (1). Last evaluated 2026-04-14.

Conditions:
Familial intrahepatic cholestasis. Identifiers: Orphanet 284385, MedGen CN296401, MONDO:0017290.
Low phospholipid associated cholelithiasis (GBD1). Also called: Gallstone cholecystitis; Gallbladder disease 1. Identifiers: Orphanet 69663, MedGen C2609268, MONDO:0010939, OMIM 600803.
Cholestasis, intrahepatic, of pregnancy, 3. Identifiers: Orphanet 69665, MedGen C3554241, MONDO:0013995, OMIM 614972.
Progressive familial intrahepatic cholestasis type 3. Also called: Low Gamma-GT Familial Intrahepatic Cholestasis; MDR3 DEFICIENCY. Identifiers: Orphanet 79305, MedGen C1865643, MONDO:0011214, OMIM 602347.

Allele frequency attached by ClinVar (database versions not stated): gnomAD 0.00032; TOPMed 0.00060; 1000 Genomes Project 30x 0.00078; 1000 Genomes Project 0.00080.
gnomAD v4.1: 382 of 1,613,926 alleles (0.024%); highest among the groups gnomAD compares: East Asian, 0.74%; 1 homozygote.

Submissions (5):

Genomenon, Inc
Classification: Uncertain significance for Familial intrahepatic cholestasis; Low phospholipid associated cholelithiasis. Last evaluated: 2026-04-14. Review status: criteria provided, single submitter. Criteria: Genomenon Sequence Variant Interpretation Standards - Updated. Collection method: curation. Allele origin: germline. Affected: no.
Comment: ABCB4 p.Thr651Asn (c.1952C>A) is a missense variant that changes the amino acid at residue 651 from Threonine to Asparagine. This variant has been reported in the published literature (PMID:37208429). In silico models predict that this variant is not damaging. In conclusion, we classify ABCB4 p.Thr651Asn (c.1952C>A) as a variant of uncertain significance.

Labcorp Genetics (formerly Invitae), Labcorp
Classification: Benign. Last evaluated: 2026-01-28. Review status: criteria provided, single submitter. Criteria: Invitae Variant Classification Sherloc (09022015). Collection method: clinical testing. Allele origin: germline.

Illumina Laboratory Services, Illumina
Classification: Likely benign for Progressive familial intrahepatic cholestasis type 3. Last evaluated: 2018-01-12. Review status: criteria provided, single submitter. Criteria: ICSL Variant Classification Criteria 13 December 2019. Collection method: clinical testing. Allele origin: germline.
Comment: This variant was observed in the ICSL laboratory as part of a predisposition screen in an ostensibly healthy population. It had not been previously curated by ICSL or reported in the Human Gene Mutation Database (HGMD: prior to June 1st, 2018), and was therefore a candidate for classification through an automated scoring system. Utilizing variant allele frequency, disease prevalence and penetrance estimates, and inheritance mode, an automated score was calculated to assess if this variant is too frequent to cause the disease. Based on the score and internal cut-off values, a variant classified as likely benign is not then subjected to further curation. The score for this variant resulted in a classification of likely benign for this disease.

Illumina Laboratory Services, Illumina
Classification: Uncertain significance for Cholestasis, intrahepatic, of pregnancy, 3. Last evaluated: 2018-01-12. Review status: criteria provided, single submitter. Criteria: ICSL Variant Classification Criteria 13 December 2019. Collection method: clinical testing. Allele origin: germline.

Eurofins Ntd Llc (ga)
Classification: Uncertain significance. Last evaluated: 2017-10-03. Review status: criteria provided, single submitter. Criteria: EGL Classification Definitions 2015. Collection method: clinical testing. Allele origin: germline. Observed: 3 variant alleles, 3 heterozygotes.

Literature cited by the submitters: PubMed 37208429 (cited by Genomenon, Inc).

NM_000443.4(ABCB4):c.1952C>A (p.Thr651Asn)

Gene: ABCB4 (ATP binding cassette subfamily B member 4; minus strand). Cytogenetic location: 7q21.12.
Variant type: single nucleotide variant.
Coding change: c.1952C>A on transcript NM_000443.4 (MANE Select); coding-DNA position 1952, C replaced by A.
Protein change: p.Thr651Asn; replaces threonine 651 with asparagine.
Molecular consequence: missense variant.
Genome position (GRCh38, 1-based): chr7:87,426,862, G>T on the plus strand (C>A on the coding strand, the complement: ABCB4 is on the minus strand). VCF-style: chr7-87426862-G-T. GRCh37 (hg19) VCF-style: chr7-87056178-G-T.
Other names: c.1952C>A, p.Thr651Asn (NM_018849.3, NM_018850.3); short protein forms T651N.
Identifiers: ClinVar variation 594313 (VCV000594313.14), dbSNP rs45476795, ClinGen allele CA4327158.